The following is an entry in ClinVar:

NM_000414.4(HSD17B4):c.681C>T (p.His227=)

Gene: HSD17B4 (hydroxysteroid 17-beta dehydrogenase 4; plus strand). Cytogenetic location: 5q23.1.
Variant type: single nucleotide variant.
Coding change: c.681C>T on transcript NM_000414.4 (MANE Select); coding-DNA position 681, C replaced by T.
Protein change: p.His227=; no amino-acid change (histidine 227 retained).
Molecular consequence: synonymous variant. On other transcripts: non-coding transcript variant (2).
Genome position (GRCh38, 1-based): chr5:119,489,250, C>T. VCF-style: chr5-119489250-C-T. GRCh37 (hg19) VCF-style: chr5-118824945-C-T.
Other names: c.756C>T, p.His252= (NM_001199291.3); c.627C>T, p.His209= (NM_001199292.2); c.609C>T, p.His203= (NM_001292027.2); c.261C>T, p.His87= (NM_001292028.2); c.672C>T, p.His224= (NM_001374497.1); c.681C>T, p.His227= (NM_001374498.1); c.354C>T, p.His118= (NM_001374499.1); c.240C>T, p.His80= (NM_001374500.1); and 2 more.
Identifiers: ClinVar variation 1118418 (VCV001118418.11), dbSNP rs371111330, ClinGen allele CA3381930.
Genomic context (GRCh38, chr5:119,489,250, plus strand): 5'-AGATCTTGTGGAAGCCCTGAAGCCAGAGTATGTGGCACCTCTTGTCCTTTGGCTTTGTCA[C>T]GAGAGTTGTGAGGAGAATGGTGGCTTGTTTGAGGTATTTGCACCTTCCTGTTTTCTCTTA-3'
Protein context (NP_000405.1, residues 217-237): YVAPLVLWLC[His227=]ESCEENGGLF

ClinVar aggregate classification (germline): Likely benign. Review status: criteria provided, single submitter (1 of 4 stars). 2 submissions from 2 submitters: Likely benign (1). 1 of the submissions does not count toward it. Last evaluated 2025-11-25.

Conditions:
Perrault syndrome. Also called: Gonadal dysgenesis with auditory dysfunction, autosomal recessive inheritance. Identifiers: Orphanet 2855, MedGen C0685838, MONDO:0017312.
Bifunctional peroxisomal enzyme deficiency (DBIF). Also called: D-bifunctional protein deficiency; DBP DEFICIENCY; PBFE DEFICIENCY. Identifiers: Orphanet 300, MedGen C0342870, MONDO:0009855, OMIM 261515. Disease mechanism: loss of function.
HSD17B4-related disorder. Also called: HSD17B4-related disorders; HSD17B4-related condition.

Allele frequency attached by ClinVar (database versions not stated): ExAC 0.00001; TOPMed 0.00002; gnomAD 0.00004; gnomAD exomes 0.00004 and 0.00016; ESP Exome Variant Server 0.00008.
gnomAD v4.1: 234 of 1,612,472 alleles (0.015%); highest among the groups gnomAD compares: Non-Finnish European, 0.019%; no homozygotes.

Submissions (2):

Labcorp Genetics (formerly Invitae), Labcorp
Classification: Likely benign for Perrault syndrome; Bifunctional peroxisomal enzyme deficiency. Last evaluated: 2025-11-25. Review status: criteria provided, single submitter. Criteria: Invitae Variant Classification Sherloc (09022015). Collection method: clinical testing. Allele origin: germline.

PreventionGenetics, part of Exact Sciences
Classification: Likely benign for HSD17B4-related condition. Last evaluated: 2022-08-24. Review status: no assertion criteria provided. Collection method: clinical testing. Allele origin: germline. Not counted in ClinVar's aggregate classification.
Comment: This variant is classified as likely benign based on ACMG/AMP sequence variant interpretation guidelines (Richards et al. 2015 PMID: 25741868, with internal and published modifications).